The following is an entry in ClinVar:

NM_000443.4(ABCB4):c.3597T>G (p.Asp1199Glu)

Gene: ABCB4 (ATP binding cassette subfamily B member 4; minus strand). Cytogenetic location: 7q21.12.
Variant type: single nucleotide variant.
Coding change: c.3597T>G on transcript NM_000443.4 (MANE Select); coding-DNA position 3597, T replaced by G.
Protein change: p.Asp1199Glu; replaces aspartic acid 1199 with glutamic acid.
Molecular consequence: missense variant.
Genome position (GRCh38, 1-based): chr7:87,403,171, A>C on the plus strand (T>G on the coding strand, the complement: ABCB4 is on the minus strand). VCF-style: chr7-87403171-A-C. GRCh37 (hg19) VCF-style: chr7-87032487-A-C.
Other names: c.3618T>G, p.Asp1206Glu (NM_018849.3); c.3456T>G, p.Asp1152Glu (NM_018850.3); short protein forms D1152E, D1199E, D1206E.
Identifiers: ClinVar variation 4846413 (VCV004846413.1).

ClinVar aggregate classification (germline): Uncertain significance (1 of 4 stars; one submission).

Conditions:
Low phospholipid associated cholelithiasis (GBD1). Also called: Gallbladder disease 1; Gallstone cholecystitis. Identifiers: Orphanet 69663, MedGen C2609268, MONDO:0010939, OMIM 600803.

Submission:

Genomenon, Inc
Classification: Uncertain significance for Low phospholipid associated cholelithiasis. Last evaluated: 2026-04-14. Review status: criteria provided, single submitter. Criteria: Genomenon Sequence Variant Interpretation Standards - Updated. Collection method: curation. Allele origin: germline. Affected: yes.
Comment: ABCB4 p.Asp1199Glu (c.3597T>G) is a missense variant that changes the amino acid at residue 1199 from Aspartic acid to Glutamic acid. This variant has been observed in at least one proband with an ABCB4-related disorder (PMID:32893960). It is absent or not present at a significant frequency in gnomAD. In silico models predict that this variant is possibly or probably damaging. In conclusion, we classify ABCB4 p.Asp1199Glu (c.3597T>G) as a variant of uncertain significance.

Literature cited by the submitters: PubMed 32893960.